The following is an entry in ClinVar:

ClinVar aggregate classification (germline): Pathogenic (1 of 4 stars; one submission).

Conditions:
Hepatic methionine adenosyltransferase deficiency. Also called: Isolated Persistent Hypermethioninemia; MAT I/III DEFICIENCY; Methionine adenosyltransferase deficiency; Deficiency of methionine adenosyltransferase. Identifiers: Orphanet 168598, MedGen C0268621, MeSH C564683, MONDO:0009607, OMIM 250850.

Submission:

Labcorp Genetics (formerly Invitae), Labcorp
Classification: Pathogenic for Hepatic methionine adenosyltransferase deficiency. Last evaluated: 2023-03-01. Review status: criteria provided, single submitter. Criteria: Invitae Variant Classification Sherloc (09022015). Collection method: clinical testing. Allele origin: germline.
Comment: Disruption of this splice site has been observed in individual(s) with clinical features of hypermethioninemia (Invitae). This sequence change affects a donor splice site in intron 6 of the MAT1A gene. It is expected to disrupt RNA splicing. Variants that disrupt the donor or acceptor splice site typically lead to a loss of protein function (PMID: 16199547), and loss-of-function variants in MAT1A are known to be pathogenic (PMID: 20675163, 24231718). This variant is not present in population databases (gnomAD no frequency). Algorithms developed to predict the effect of sequence changes on RNA splicing suggest that this variant may disrupt the consensus splice site. For these reasons, this variant has been classified as Pathogenic.

Literature cited by the submitters: PubMed 16199547; PubMed 20675163; PubMed 24231718.

NM_000429.3(MAT1A):c.768+2T>A

Gene: MAT1A (methionine adenosyltransferase 1A; minus strand). Cytogenetic location: 10q22.3.
Variant type: single nucleotide variant.
Coding change: c.768+2T>A on transcript NM_000429.3 (MANE Select); the canonical splice donor site of the intron after coding-DNA position 768, T replaced by A.
Molecular consequence: splice donor variant.
Genome position (GRCh38, 1-based): chr10:80,276,374, A>T on the plus strand (T>A on the coding strand, the complement: MAT1A is on the minus strand). VCF-style: chr10-80276374-A-T. GRCh37 (hg19) VCF-style: chr10-82036130-A-T.
Identifiers: ClinVar variation 2841978 (VCV002841978.3), dbSNP rs2492489031, ClinGen allele CA377361479.